The following is an entry in ClinVar:

NM_005413.4(SIX3):c.841C>A (p.Arg281Ser)

Gene: SIX3 (SIX homeobox 3; plus strand). Cytogenetic location: 2p21.
Variant type: single nucleotide variant.
Coding change: c.841C>A on transcript NM_005413.4 (MANE Select); coding-DNA position 841, C replaced by A.
Protein change: p.Arg281Ser; replaces arginine 281 with serine.
Molecular consequence: missense variant.
Genome position (GRCh38, 1-based): chr2:44,944,602, C>A. VCF-style: chr2-44944602-C-A. GRCh37 (hg19) VCF-style: chr2-45171741-C-A.
Other names: c.841C>A (NM_005413.3); short protein forms R281S.
Identifiers: ClinVar variation 2807273 (VCV002807273.5), dbSNP rs1197394985, ClinGen allele CA346800498.

ClinVar aggregate classification (germline): Uncertain significance. Review status: criteria provided, multiple submitters, no conflicts (2 of 4 stars). 3 submissions from 3 submitters: Uncertain significance (3). Last evaluated 2026-02-03.

Conditions:
Inborn genetic diseases. Identifiers: MedGen C0950123, MeSH D030342.
Holoprosencephaly 2 (HPE2). Identifiers: Orphanet 2162, MedGen C1834877, MONDO:0007999, OMIM 157170.

Submissions (3):

Women's Health and Genetics/Laboratory Corporation of America, LabCorp
Classification: Uncertain significance. Last evaluated: 2026-02-03. Review status: criteria provided, single submitter. Criteria: LabCorp Variant Classification Summary - May 2015. Collection method: clinical testing. Allele origin: germline.
Comment: Variant summary: SIX3 c.841C>A (p.Arg281Ser) results in a non-conservative amino acid change in the encoded protein sequence. Algorithms developed to predict the effect of missense changes on protein structure and function are either unavailable or do not agree on the potential impact of this missense change. The variant allele was found at a frequency of 5.3e-06 in 187548 control chromosomes. The available data on variant occurrences in the general population are insufficient to allow any conclusion about variant significance. To our knowledge, no occurrence of c.841C>A in individuals affected with SIX3-related conditions and no experimental evidence demonstrating its impact on protein function have been reported. ClinVar contains an entry for this variant (Variation ID: 2807273). Based on the evidence outlined above, the variant was classified as uncertain significance.

Ambry Genetics
Classification: Uncertain significance for Inborn genetic diseases. Last evaluated: 2025-01-22. Review status: criteria provided, single submitter. Criteria: Ambry Variant Classification Scheme 2023. Collection method: clinical testing. Allele origin: germline.

Labcorp Genetics (formerly Invitae), Labcorp
Classification: Uncertain significance for Holoprosencephaly 2. Last evaluated: 2023-11-27. Review status: criteria provided, single submitter. Criteria: Invitae Variant Classification Sherloc (09022015). Collection method: clinical testing. Allele origin: germline.
Comment: This sequence change replaces arginine, which is basic and polar, with serine, which is neutral and polar, at codon 281 of the SIX3 protein (p.Arg281Ser). The frequency data for this variant in the population databases is considered unreliable, as metrics indicate poor data quality at this position in the gnomAD database. This variant has not been reported in the literature in individuals affected with SIX3-related conditions. Advanced modeling of protein sequence and biophysical properties (such as structural, functional, and spatial information, amino acid conservation, physicochemical variation, residue mobility, and thermodynamic stability) performed at Invitae indicates that this missense variant is not expected to disrupt SIX3 protein function with a negative predictive value of 80%. In summary, the available evidence is currently insufficient to determine the role of this variant in disease. Therefore, it has been classified as a Variant of Uncertain Significance.